The following is an entry in ClinVar:

ClinVar aggregate classification (germline): Uncertain significance. Review status: criteria provided, multiple submitters, no conflicts (2 of 4 stars). 2 submissions from 2 submitters: Uncertain significance (2). Last evaluated 2025-10-15.

Conditions:
Inborn genetic diseases. Identifiers: MedGen C0950123, MeSH D030342.

Allele frequency attached by ClinVar (database versions not stated): gnomAD exomes below 0.00001; TOPMed below 0.00001.

Submissions (2):

Ambry Genetics
Classification: Uncertain significance for Inborn genetic diseases. Last evaluated: 2025-10-15. Review status: criteria provided, single submitter. Criteria: Ambry Variant Classification Scheme 2023. Collection method: clinical testing. Allele origin: germline.

Labcorp Genetics (formerly Invitae), Labcorp
Classification: Uncertain significance. Last evaluated: 2023-07-17. Review status: criteria provided, single submitter. Criteria: Invitae Variant Classification Sherloc (09022015). Collection method: clinical testing. Allele origin: germline.
Comment: This sequence change replaces serine, which is neutral and polar, with cysteine, which is neutral and slightly polar, at codon 1983 of the MYH14 protein (p.Ser1983Cys). In summary, the available evidence is currently insufficient to determine the role of this variant in disease. Therefore, it has been classified as a Variant of Uncertain Significance. Experimental studies and prediction algorithms are not available or were not evaluated, and the functional significance of this variant is currently unknown. ClinVar contains an entry for this variant (Variation ID: 1485647). This variant has not been reported in the literature in individuals affected with MYH14-related conditions. This variant is present in population databases (no rsID available, gnomAD 0.003%).

NM_001145809.2(MYH14):c.6071C>G (p.Ser2024Cys)

Gene: MYH14 (myosin heavy chain 14; plus strand). Cytogenetic location: 19q13.33.
Variant type: single nucleotide variant.
Coding change: c.6071C>G on transcript NM_001145809.2 (MANE Select); coding-DNA position 6071, C replaced by G.
Protein change: p.Ser2024Cys; replaces serine 2024 with cysteine.
Molecular consequence: missense variant.
Genome position (GRCh38, 1-based): chr19:50,309,750, C>G. VCF-style: chr19-50309750-C-G. GRCh37 (hg19) VCF-style: chr19-50813007-C-G.
Other names: c.5972C>G, p.Ser1991Cys (NM_001077186.2); c.5948C>G, p.Ser1983Cys (NM_024729.4); c.5948C>G (NM_024729.3); short protein forms S1983C, S1991C, S2024C.
Identifiers: ClinVar variation 1485647 (VCV001485647.9), dbSNP rs1307762363, ClinGen allele CA406966335.
Genomic context (GRCh38, chr19:50,309,750, plus strand): 5'-TAGAGGAGGGCGTGGCATCCGACGAGGAGGCAGAGGAAGCACAGCCTGGGTCTGGGCCAT[C>G]CCCGGAGCCTGAGGGGTCCCCACCAGCCCACCCCCAGTGACCCTACCCTGTCCCCAGATG-3'
Protein context (NP_001139281.1, residues 2014-2034): AEEAQPGSGP[Ser2024Cys]PEPEGSPPAH